The following is an entry in ClinVar:

NM_002076.4(GNS):c.1114A>C (p.Ile372Leu)

Gene: GNS (glucosamine (N-acetyl)-6-sulfatase; minus strand). Cytogenetic location: 12q14.3.
Variant type: single nucleotide variant.
Coding change: c.1114A>C on transcript NM_002076.4 (MANE Select); coding-DNA position 1114, A replaced by C.
Protein change: p.Ile372Leu; replaces isoleucine 372 with leucine.
Molecular consequence: missense variant.
Genome position (GRCh38, 1-based): chr12:64,729,042, T>G on the plus strand (A>C on the coding strand, the complement: GNS is on the minus strand). VCF-style: chr12-64729042-T-G. GRCh37 (hg19) VCF-style: chr12-65122822-T-G.
Other names: short protein forms I372L.
Identifiers: ClinVar variation 1464598 (VCV001464598.6), dbSNP rs2136240576, ClinGen allele CA385604462.

ClinVar aggregate classification (germline): Uncertain significance (1 of 4 stars; one submission).

Conditions:
Mucopolysaccharidosis, MPS-III-D (MPS3D). Also called: N-ACETYLGLUCOSAMINE-6-SULFATASE DEFICIENCY; SANFILIPPO SYNDROME D; MPS III D; Mucopoly-saccharidosis type 3D; N-acetylglucosamine-6-sulfate sulfatase deficiency; MPS 3D. Identifiers: Orphanet 581, Orphanet 79272, MedGen C0086650, MONDO:0009658, OMIM 252940.

Submission:

Labcorp Genetics (formerly Invitae), Labcorp
Classification: Uncertain significance for Mucopolysaccharidosis, MPS-III-D. Last evaluated: 2022-07-06. Review status: criteria provided, single submitter. Criteria: Invitae Variant Classification Sherloc (09022015). Collection method: clinical testing. Allele origin: germline.
Comment: This sequence change replaces isoleucine, which is neutral and non-polar, with leucine, which is neutral and non-polar, at codon 372 of the GNS protein (p.Ile372Leu). In summary, the available evidence is currently insufficient to determine the role of this variant in disease. Therefore, it has been classified as a Variant of Uncertain Significance. Algorithms developed to predict the effect of missense changes on protein structure and function (SIFT, PolyPhen-2, Align-GVGD) all suggest that this variant is likely to be tolerated. ClinVar contains an entry for this variant (Variation ID: 1464598). This variant has not been reported in the literature in individuals affected with GNS-related conditions. This variant is not present in population databases (gnomAD no frequency).